The following is an entry in ClinVar:

NM_006950.3(SYN1):c.655G>A (p.Val219Ile)

Gene: SYN1 (synapsin I; minus strand). Cytogenetic location: Xp11.23.
Variant type: single nucleotide variant.
Coding change: c.655G>A on transcript NM_006950.3 (MANE Select); coding-DNA position 655, G replaced by A.
Protein change: p.Val219Ile; replaces valine 219 with isoleucine.
Molecular consequence: missense variant.
Genome position (GRCh38, 1-based): chrX:47,605,252, C>T on the plus strand (G>A on the coding strand, the complement: SYN1 is on the minus strand). VCF-style: chrX-47605252-C-T. GRCh37 (hg19) VCF-style: chrX-47464651-C-T.
Other names: c.655G>A, p.Val219Ile (NM_133499.2); short protein forms V219I.
Identifiers: ClinVar variation 3336589 (VCV003336589.1).

ClinVar aggregate classification (germline): Uncertain significance (1 of 4 stars; one submission).

Submission:

Women's Health and Genetics/Laboratory Corporation of America, LabCorp
Classification: Uncertain significance. Last evaluated: 2024-05-15. Review status: criteria provided, single submitter. Criteria: LabCorp Variant Classification Summary - May 2015. Collection method: clinical testing. Allele origin: germline.
Comment: Variant summary: SYN1 c.655G>A (p.Val219Ile) results in a conservative amino acid change located in the Synapsin, ATP-binding domain (IPR020898) of the encoded protein sequence. Four of five in-silico tools predict a benign effect of the variant on protein function. The variant was absent in 175579 control chromosomes. The available data on variant occurrences in the general population are insufficient to allow any conclusion about variant significance. To our knowledge, no occurrence of c.655G>A in individuals affected with SYN1-Related Disorders and no experimental evidence demonstrating its impact on protein function have been reported. No submitters have cited clinical-significance assessments for this variant to ClinVar. Based on the evidence outlined above, the variant was classified as uncertain significance.